The following is an entry in ClinVar:

ClinVar aggregate classification (germline): Uncertain significance. Review status: criteria provided, multiple submitters, no conflicts (2 of 4 stars). 2 submissions from 2 submitters: Uncertain significance (2). Last evaluated 2025-08-20.

Conditions:
TTN-related disorder. Also called: TTN-related disorders; TTN-related condition; TTN-related disease.
Cardiovascular phenotype. Identifiers: MedGen CN230736.

Allele frequency attached by ClinVar (database versions not stated): TOPMed 0.00001; gnomAD exomes 0.00002; gnomAD 0.00003.
gnomAD v4.1: 36 of 1,608,460 alleles (0.0022%); highest among the groups gnomAD compares: Non-Finnish European, 0.003%; no homozygotes.

Submissions (2):

PreventionGenetics, part of Exact Sciences
Classification: Uncertain significance for TTN-related condition. Last evaluated: 2025-08-20. Review status: criteria provided, single submitter. Criteria: ACMG Guidelines, 2015. Collection method: clinical testing. Allele origin: germline.
Comment: The TTN c.84434C>T variant is predicted to result in the amino acid substitution p.Ala28145Val. To our knowledge, this variant has not been reported in the literature. This variant is reported in 0.00090% of alleles in individuals of European (Non-Finnish) descent in gnomAD. At this time, the clinical significance of this variant is uncertain due to the absence of conclusive functional and genetic evidence.

Ambry Genetics
Classification: Uncertain significance for Cardiovascular phenotype. Last evaluated: 2020-04-20. Review status: criteria provided, single submitter. Criteria: Ambry Variant Classification Scheme 2023. Collection method: clinical testing. Allele origin: germline.
Comment: The p.A19080V variant (also known as c.57239C>T), located in coding exon 153 of the TTN gene, results from a C to T substitution at nucleotide position 57239. The alanine at codon 19080 is replaced by valine, an amino acid with similar properties. This amino acid position is not well conserved in available vertebrate species. In addition, this alteration is predicted to be tolerated by in silico analysis. Since supporting evidence is limited at this time, the clinical significance of this alteration remains unclear.

NM_001267550.2(TTN):c.84434C>T (p.Ala28145Val)

Genes: TTN (titin; minus strand), TTN-AS1 (TTN antisense RNA 1; plus strand). Cytogenetic location: 2q31.2.
Variant type: single nucleotide variant.
Coding change: c.84434C>T on transcript NM_001267550.2 (MANE Select); coding-DNA position 84434, C replaced by T.
Protein change: p.Ala28145Val; replaces alanine 28145 with valine.
Molecular consequence: missense variant.
Genome position (GRCh38, 1-based): chr2:178,561,698, G>A on the plus strand (C>T on the coding strand, the complement: TTN is on the minus strand). VCF-style: chr2-178561698-G-A. GRCh37 (hg19) VCF-style: chr2-179426425-G-A.
Other names: c.79511C>T, p.Ala26504Val (NM_001256850.1); c.57239C>T, p.Ala19080Val (NM_003319.4); c.76730C>T, p.Ala25577Val (NM_133378.4); c.57614C>T, p.Ala19205Val (NM_133432.3); c.57815C>T, p.Ala19272Val (NM_133437.4); short protein forms A19080V, A19272V, A26504V, A19205V, A25577V, A28145V.
Identifiers: ClinVar variation 1749292 (VCV001749292.3), dbSNP rs765357961, ClinGen allele CA60985131.